The following is an entry in ClinVar:

NC_000015.10:g.(?_22786657)_(23032029_?)del

Genes: TUBGCP5 (tubulin gamma complex component 5; minus strand), CYFIP1 (cytoplasmic FMR1 interacting protein 1; minus strand), NIPA2 (NIPA magnesium transporter 2; plus strand), NIPA1 (NIPA magnesium transporter 1; plus strand), LOC130056717 (ATAC-STARR-seq lymphoblastoid active region 9159; plus strand) and 11 more. Cytogenetic location: 15q11.2.
Variant type: Deletion.
Identifiers: ClinVar variation 583459 (VCV000583459.8).

ClinVar aggregate classification (germline): Uncertain significance. Review status: criteria provided, single submitter (1 of 4 stars). 2 submissions from 1 submitter: Uncertain significance (1). 1 of the submissions does not count toward it. Last evaluated 2021-09-16.

Conditions:
Hereditary spastic paraplegia 6 (SPG6). Also called: SPASTIC PARAPLEGIA 6, AUTOSOMAL DOMINANT. Identifiers: Orphanet 100988, MedGen C1838192, MONDO:0010878, OMIM 600363.

Submissions (2):

Labcorp Genetics (formerly Invitae), Labcorp
Classification: Uncertain significance. Last evaluated: 2021-09-16. Review status: criteria provided, single submitter. Criteria: Invitae Variant Classification Sherloc (09022015). Collection method: clinical testing. Allele origin: germline.
Comment: This variant is a gross deletion of the genomic region encompassing exon(s) 5-23 of the TUBGCP5 gene, which includes the termination codon. This deletion extends beyond the assayed region for this gene and therefore may encompass additional genes. While this deletion is not anticipated to lead to nonsense mediated decay, it is expected to alter mRNA translation or result in a truncated protein product. Isolated whole-gene deletions of TUBGCP5 have not been reported in the literature. However, larger copy number events that include this gene have been reported (PMID: 17268193, 23032108, 25689425). In summary, the available evidence is currently insufficient to determine the role of this variant in disease. Therefore, it has been classified as a Variant of Uncertain Significance.

Labcorp Genetics (formerly Invitae), Labcorp
Classification: Uncertain significance for Spastic paraplegia 6. Last evaluated: 2018-04-05. Review status: flagged submission. Criteria: Invitae Variant Classification Sherloc (09022015). Collection method: clinical testing. Allele origin: germline. Not counted in ClinVar's aggregate classification.
Comment: A gross deletion of the genomic region encompassing the full coding sequence of the NIPA1 gene has been identified. The boundaries of this event are unknown as the deletion extends beyond the assayed region for this gene and therefore may encompass additional genes. Isolated whole-gene deletions of NIPA1 have not been reported in the literature. However, larger copy number events that include this gene have been reported in individuals affected with neurological dysfunction, developmental and language delay are the most commonly associated findings followed by motor delay, ADD/ADHD and autism spectrum disorder (PMID: 17268193, 25689425, 23032108). The current clinical and genetic evidence is not sufficient to establish whether loss-of-function variants in NIPA1 cause disease. In summary, the available evidence is currently insufficient to determine the role of this variant in disease. Therefore, it has been classified as a Variant of Uncertain Significance.
ClinVar note: Reason: This record appears to be redundant with a more recent record from the same submitter.
ClinVar note: Notes: SCV000836892 appears to be redundant with SCV002228612.

Literature cited by the submitters: PubMed 17268193; PubMed 23032108; PubMed 25689425.